The following is an entry in ClinVar:

ClinVar aggregate classification (germline): Uncertain significance (1 of 4 stars; one submission).

Conditions:
Retinitis pigmentosa 73 (RP73). Identifiers: Orphanet 791, MedGen C4225287, MONDO:0014687, OMIM 616544.
Mucopolysaccharidosis, MPS-III-C (MPS3C). Also called: MPS IIIC (Sanfilippo Syndrome Type C); MUCOPOLYSACCHARIDOSIS, TYPE IIIC; Mucopolysaccharidosis type IIIC (Sanfilippo C); SANFILIPPO SYNDROME C; MPS III C; mucopolysaccharidosis type 3C. Identifiers: Orphanet 581, Orphanet 79271, MedGen C0086649, MONDO:0009657, OMIM 252930.

Submission:

Labcorp Genetics (formerly Invitae), Labcorp
Classification: Uncertain significance for Retinitis pigmentosa 73; Mucopolysaccharidosis, MPS-III-C. Last evaluated: 2022-06-05. Review status: criteria provided, single submitter. Criteria: Invitae Variant Classification Sherloc (09022015). Collection method: clinical testing. Allele origin: germline.
Comment: In summary, the available evidence is currently insufficient to determine the role of this variant in disease. Therefore, it has been classified as a Variant of Uncertain Significance. Advanced modeling of protein sequence and biophysical properties (such as structural, functional, and spatial information, amino acid conservation, physicochemical variation, residue mobility, and thermodynamic stability) performed at Invitae indicates that this missense variant is not expected to disrupt HGSNAT protein function. ClinVar contains an entry for this variant (Variation ID: 1368724). This variant has not been reported in the literature in individuals affected with HGSNAT-related conditions. This variant is not present in population databases (gnomAD no frequency). This sequence change replaces arginine, which is basic and polar, with tryptophan, which is neutral and slightly polar, at codon 378 of the HGSNAT protein (p.Arg378Trp).

NM_152419.3(HGSNAT):c.1132A>T (p.Arg378Trp)

Gene: HGSNAT (heparan-alpha-glucosaminide N-acetyltransferase; plus strand). Cytogenetic location: 8p11.21.
Variant type: single nucleotide variant.
Coding change: c.1132A>T on transcript NM_152419.3 (MANE Select); coding-DNA position 1132, A replaced by T.
Protein change: p.Arg378Trp; replaces arginine 378 with tryptophan.
Molecular consequence: missense variant.
Genome position (GRCh38, 1-based): chr8:43,191,477, A>T. VCF-style: chr8-43191477-A-T. GRCh37 (hg19) VCF-style: chr8-43046620-A-T.
Other names: c.1132A>T, p.Arg378Trp (NM_001363227.2); c.940A>T, p.Arg314Trp (NM_001363228.2); c.268A>T, p.Arg90Trp (NM_001363229.2); short protein forms R314W, R378W, R90W.
Identifiers: ClinVar variation 1368724 (VCV001368724.6), dbSNP rs2130805062, ClinGen allele CA371118937.
Genomic context (GRCh38, chr8:43,191,477, plus strand): 5'-AGTTCCCTTCTATTTGCATTTAGTTCACCCGTGTTTTATTTTTCTGCCCCCACTCAGGAG[A>T]GGAGCTGCCTTTCTCTTCGAGACATCACGTCCAGCTGGCCCCAGTGGCTGCTCATCCTGG-3'
Protein context (NP_689632.2, residues 368-388): KPVPEHCASE[Arg378Trp]SCLSLRDITS